The following is an entry in ClinVar:

ClinVar aggregate classification (germline): Uncertain significance (1 of 4 stars; one submission).

Conditions:
Malignant hyperthermia, susceptibility to, 5 (MHS5). Also called: CACNA1S-Related Malignant Hyperthermia Susceptibility. Identifiers: Orphanet 423, MedGen C1866077, MONDO:0011163, OMIM 601887.

Submission:

All of Us Research Program, National Institutes of Health
Classification: Uncertain significance for Malignant hyperthermia, susceptibility to, 5. Last evaluated: 2024-06-09. Review status: criteria provided, single submitter. Criteria: ACMG Guidelines, 2015. Collection method: clinical testing. Allele origin: germline. Inheritance: Autosomal dominant inheritance. Observed: 1 variant allele, 1 heterozygote.
Comment: This variant causes a T>A nucleotide substitution at the +2 position of intron 19 of the CACNA1S gene. Splice site prediction tools suggest that this variant may have a significant impact on RNA splicing. To our knowledge, functional studies have not been reported for this variant. This variant has not been reported in individuals affected with CACNA1S-related disorders in the literature. This variant has not been identified in the general population by the Genome Aggregation Database (gnomAD). Loss of CACNA1S function is not an established disease mechanism for autosomal dominant malignant hyperthermia. Due to insufficient evidence, this variant is classified as a Variant of Uncertain Significance for autosomal dominant malignant hyperthermia.

This study involves interpretation of variants in research participants for the purpose of population health screening. Participant phenotype was not available at the time of variant classification. Additional details can be found in publication PMID: 35346344, PMCID: PMC8962531

NM_000069.3(CACNA1S):c.2550+2T>A

Gene: CACNA1S (calcium voltage-gated channel subunit alpha1 S; minus strand). Cytogenetic location: 1q32.1.
Variant type: single nucleotide variant.
Coding change: c.2550+2T>A on transcript NM_000069.3 (MANE Select); the canonical splice donor site of the intron after coding-DNA position 2550, T replaced by A.
Molecular consequence: splice donor variant.
Genome position (GRCh38, 1-based): chr1:201,069,135, A>T on the plus strand (T>A on the coding strand, the complement: CACNA1S is on the minus strand). VCF-style: chr1-201069135-A-T. GRCh37 (hg19) VCF-style: chr1-201038263-A-T.
Identifiers: ClinVar variation 3386345 (VCV003386345.1).